The following is an entry in ClinVar:

NM_177986.5(DSG4):c.2731T>C (p.Tyr911His)

Genes: DSG1-AS1 (DSG1 antisense RNA 1; minus strand), DSG4 (desmoglein 4; plus strand). Cytogenetic location: 18q12.1.
Variant type: single nucleotide variant.
Coding change: c.2731T>C on transcript NM_177986.5 (MANE Select); coding-DNA position 2731, T replaced by C.
Protein change: p.Tyr911His; replaces tyrosine 911 with histidine.
Molecular consequence: missense variant.
Genome position (GRCh38, 1-based): chr18:31,413,203, T>C. VCF-style: chr18-31413203-T-C. GRCh37 (hg19) VCF-style: chr18-28993166-T-C.
Other names: c.2788T>C, p.Tyr930His (NM_001134453.3); short protein forms Y911H, Y930H.
Identifiers: ClinVar variation 326449 (VCV000326449.8), dbSNP rs145159063, ClinGen allele CA8927396.

ClinVar aggregate classification (germline): Uncertain significance. Review status: criteria provided, multiple submitters, no conflicts (2 of 4 stars). 3 submissions from 3 submitters: Uncertain significance (3). Last evaluated 2025-07-10.

Conditions:
Inborn genetic diseases. Identifiers: MedGen C0950123, MeSH D030342.
Hypotrichosis 6 (HYPT6). Also called: HYPOTRICHOSIS, LOCALIZED, AUTOSOMAL RECESSIVE 1; MONILETHRIX-LIKE HYPOTRICHOSIS. Identifiers: Orphanet 55654, MedGen C1842839, MONDO:0011932, OMIM 607903.

Allele frequency attached by ClinVar (database versions not stated): gnomAD exomes 0.00041 and 0.00074; TOPMed 0.00043; gnomAD 0.00050 and 0.00052; ExAC 0.00051; ESP Exome Variant Server 0.00054.
gnomAD v4.1: 1,139 of 1,614,040 alleles (0.071%); highest among the groups gnomAD compares: Non-Finnish European, 0.091%; no homozygotes.

Submissions (3):

GeneDx
Classification: Uncertain significance. Last evaluated: 2025-07-10. Review status: criteria provided, single submitter. Criteria: GeneDx Variant Classification Process June 2021. Collection method: clinical testing. Allele origin: germline. Affected: yes.
Comment: In silico analysis supports that this missense variant has a deleterious effect on protein structure/function; Has not been previously published as pathogenic or benign to our knowledge

Ambry Genetics
Classification: Uncertain significance for Inborn genetic diseases. Last evaluated: 2021-07-06. Review status: criteria provided, single submitter. Criteria: Ambry Variant Classification Scheme 2023. Collection method: clinical testing. Allele origin: germline.

Illumina Laboratory Services, Illumina
Classification: Uncertain significance for Hypotrichosis 6. Last evaluated: 2018-01-13. Review status: criteria provided, single submitter. Criteria: ICSL Variant Classification Criteria 13 December 2019. Collection method: clinical testing. Allele origin: germline.